The following is an entry in ClinVar:

NM_001042492.3(NF1):c.3256C>T (p.Gln1086Ter)

Gene: NF1 (neurofibromin 1; plus strand). Cytogenetic location: 17q11.2.
Variant type: single nucleotide variant.
Coding change: c.3256C>T on transcript NM_001042492.3 (MANE Select); coding-DNA position 3256, C replaced by T.
Protein change: p.Gln1086Ter; replaces glutamine 1086 with a stop codon.
Molecular consequence: nonsense.
Genome position (GRCh38, 1-based): chr17:31,232,131, C>T. VCF-style: chr17-31232131-C-T. GRCh37 (hg19) VCF-style: chr17-29559149-C-T.
Other names: c.3256C>T, p.Gln1086Ter (NM_000267.4); short protein forms Q1086*.
Identifiers: ClinVar variation 996428 (VCV000996428.15), dbSNP rs2067123355, ClinGen allele CA398988809.

ClinVar aggregate classification (germline): Pathogenic. Review status: criteria provided, multiple submitters, no conflicts (2 of 4 stars). 8 submissions from 8 submitters: Pathogenic (8). Last evaluated 2025-03-23.

Conditions:
NF1-related disorder. Also called: NF1-related condition. Identifiers: MedGen CN379171.
Hereditary cancer-predisposing syndrome. Also called: Neoplastic Syndromes, Hereditary; Hereditary Cancer Syndrome; Hereditary neoplastic syndrome; Tumor predisposition. Identifiers: Orphanet 140162, MedGen C0027672, MeSH D009386, MONDO:0015356.
Cardiovascular phenotype. Identifiers: MedGen CN230736.
Neurofibromatosis, type 1 (NF1). Also called: VON RECKLINGHAUSEN DISEASE; Peripheral type neurofibromatosis; Neurofibromatosis, type I; NEUROFIBROMATOSIS, TYPE I, SOMATIC. Identifiers: Orphanet 636, MedGen C0027831, MONDO:0018975, OMIM 162200. Disease mechanism: loss of function.
Neurofibromatosis, familial spinal (FSNF). Identifiers: Orphanet 636, MedGen C1834235, MONDO:0008078, OMIM 162210. Disease mechanism: loss of function.
Juvenile myelomonocytic leukemia (JMML). Also called: LEUKEMIA, JUVENILE MYELOMONOCYTIC, SOMATIC. Identifiers: Orphanet 86834, MedGen C0349639, MONDO:0011908, OMIM 607785, HP:0012209.
Neurofibromatosis-Noonan syndrome (NFNS). Also called: NEUROFIBROMATOSIS WITH NOONAN PHENOTYPE. Identifiers: Orphanet 638, MedGen C2931482, MONDO:0011035, OMIM 601321. Disease mechanism: loss of function.
Café-au-lait macules with pulmonary stenosis (WTSN). Also called: PULMONIC STENOSIS WITH CAFE-AU-LAIT SPOTS. Identifiers: MedGen C0553586, MONDO:0008672, OMIM 193520.

Submissions (8):

Labcorp Genetics (formerly Invitae), Labcorp
Classification: Pathogenic for Neurofibromatosis, type 1. Last evaluated: 2025-03-23. Review status: criteria provided, single submitter. Criteria: Invitae Variant Classification Sherloc (09022015). Collection method: clinical testing. Allele origin: germline.
Comment: This sequence change creates a premature translational stop signal (p.Gln1086*) in the NF1 gene. It is expected to result in an absent or disrupted protein product. Loss-of-function variants in NF1 are known to be pathogenic (PMID: 10712197, 23913538). This variant is not present in population databases (gnomAD no frequency). This premature translational stop signal has been observed in individual(s) with neurofibromatosis, type 1 (PMID: 17311297, 31717729). ClinVar contains an entry for this variant (Variation ID: 996428). For these reasons, this variant has been classified as Pathogenic.

Blueprint Genetics
Classification: Pathogenic for NF1-related disorders. Last evaluated: 2024-09-24. Review status: criteria provided, single submitter. Criteria: ACMG Guidelines, 2015. Collection method: clinical testing. Allele origin: germline. Affected: yes. Observed: 2 variant alleles.

GeneDx
Classification: Pathogenic. Last evaluated: 2023-11-16. Review status: criteria provided, single submitter. Criteria: GeneDx Variant Classification Process June 2021. Collection method: clinical testing. Allele origin: germline. Affected: yes.
Comment: Nonsense variant predicted to result in protein truncation or nonsense mediated decay in a gene for which loss of function is a known mechanism of disease; Not observed at significant frequency in large population cohorts (gnomAD); This variant is associated with the following publications: (PMID: 25525159, 31717729, 17311297, 36760809)

Ambry Genetics
Classification: Pathogenic for Cardiovascular phenotype; Hereditary cancer-predisposing syndrome. Last evaluated: 2023-11-13. Review status: criteria provided, single submitter. Criteria: Ambry Variant Classification Scheme 2023. Collection method: clinical testing. Allele origin: germline.
Comment: The p.Q1086* pathogenic mutation (also known as c.3256C>T), located in coding exon 25 of the NF1 gene, results from a C to T substitution at nucleotide position 3256. This changes the amino acid from a glutamine to a stop codon within coding exon 25. This alteration has been observed in multiple individuals with a personal and/or family history that is consistent with NF1-related disease (Ambry internal data; Wimmer K et al. Hum Mutat, 2007 Jun;28:599-612; Yao R et al. Genes (Basel), 2019 Oct;10:; Mellid S et al. Front Endocrinol (Lausanne), 2022 Jan;13:1070074). This variant is considered to be rare based on population cohorts in the Genome Aggregation Database (gnomAD). This alteration is expected to result in loss of function by premature protein truncation or nonsense-mediated mRNA decay. As such, this alteration is interpreted as a disease-causing mutation.

Genome-Nilou Lab
Classification: Pathogenic for Neurofibromatosis, type 1. Last evaluated: 2022-03-15. Review status: criteria provided, single submitter. Criteria: ACMG Guidelines, 2015. Collection method: clinical testing. Allele origin: germline. Affected: no.

Quest Diagnostics Nichols Institute San Juan Capistrano
Classification: Pathogenic. Last evaluated: 2021-07-30. Review status: criteria provided, single submitter. Criteria: Quest Diagnostics criteria. Collection method: clinical testing. Allele origin: unknown.
Comment: This nonsense variant causes the premature termination of NF1 protein synthesis. In addition, it has been reported in individuals affected with Neurofibromatosis type 1 (NF1) in the published literature (PMIDs: 17311297 (2007) and 31717729 (2019)). Therefore, the variant is classified as pathogenic.

Genome Diagnostics Laboratory, The Hospital for Sick Children
Classification: Pathogenic for Neurofibromatosis, type 1. Last evaluated: 2020-10-26. Review status: criteria provided, single submitter. Criteria: ACMG Guidelines, 2015. Collection method: clinical testing. Allele origin: germline. Affected: yes.

Juno Genomics, Hangzhou Juno Genomics, Inc
Classification: Pathogenic for Café-au-lait macules with pulmonary stenosis; Neurofibromatosis, type 1; Juvenile myelomonocytic leukemia; Neurofibromatosis, familial spinal; Neurofibromatosis-Noonan syndrome. Review status: criteria provided, single submitter. Criteria: ACMG Guidelines, 2015. Collection method: clinical testing. Allele origin: germline. Affected: yes.
Comment: Absent from controls (or at extremely low frequency if recessive) in Genome Aggregation Database.;Null variant in a gene where loss of function (LOF) is a known mechanism of disease.;The prevalence of the variant in affected individuals is significantly increased compared to the prevalence in controls.;Patient's phenotype or family history is highly specific for a disease with a single genetic etiology.

Literature cited by the submitters: PubMed 10712197 (cited by Labcorp Genetics (formerly Invitae), Labcorp); PubMed 23913538 (cited by Labcorp Genetics (formerly Invitae), Labcorp); PubMed 17311297 (cited by Labcorp Genetics (formerly Invitae), Labcorp and Quest Diagnostics Nichols Institute San Juan Capistrano); PubMed 31717729 (cited by Labcorp Genetics (formerly Invitae), Labcorp and Quest Diagnostics Nichols Institute San Juan Capistrano).